The following is an entry in ClinVar:

NM_019098.5(CNGB3):c.969del (p.Phe323fs)

Gene: CNGB3 (cyclic nucleotide gated channel subunit beta 3; minus strand). Cytogenetic location: 8q21.3.
Variant type: Deletion.
Coding change: c.969del on transcript NM_019098.5 (MANE Select); coding-DNA position 969, one base deleted (T; older notation c.969delT).
Protein change: p.Phe323fs; shifts the reading frame from phenylalanine 323.
Molecular consequence: frameshift variant.
Genome position (GRCh38, 1-based): chr8:86,647,822, A deleted on the plus strand (T on the coding strand, the reverse complement: CNGB3 is on the minus strand); the first of 3 consecutive A bases (chr8:86,647,822-86,647,824); deleting any one gives the same sequence. VCF-style (leftmost placement, unchanged base first): chr8-86647821-TA-T. GRCh37 (hg19) VCF-style: chr8-87660049-TA-T.
Other names: short protein forms F323fs.
Identifiers: ClinVar variation 1726740 (VCV001726740.2), dbSNP rs2538102257, ClinGen allele CA2580079034.

ClinVar aggregate classification (germline): Likely pathogenic (1 of 4 stars; one submission).

Conditions:
Achromatopsia 3 (ACHM3). Also called: PINGELAPESE BLINDNESS; TOTAL COLORBLINDNESS WITH MYOPIA; ROD MONOCHROMACY 1; ROD MONOCHROMATISM 1; ACHROMATOPSIA WITH MYOPIA. Identifiers: Orphanet 49382, MedGen C1849792, MONDO:0009875, OMIM 262300.

Submission:

Myriad Genetics, Inc.
Classification: Likely pathogenic for Achromatopsia 3. Last evaluated: 2021-12-31. Review status: criteria provided, single submitter. Criteria: Myriad Women's Health Autosomal Recessive and X-Linked Classification Criteria (2021). Collection method: clinical testing. Allele origin: unknown.
Comment: NM_019098.4(CNGB3):c.969delT(F323Lfs*7) is expected to be pathogenic in the context of CNGB3-related achromatopsia. This variant is predicted to lead to an abnormal or absent protein product due to the creation of a premature termination codon in CNGB3, a gene where loss-of-function variants are known to be pathogenic. Please note: this variant was assessed in the context of healthy population screening.